The following is an entry in ClinVar:

NM_000890.5(KCNJ5):c.738G>C (p.Glu246Asp)

Gene: KCNJ5 (potassium inwardly rectifying channel subfamily J member 5; plus strand). Cytogenetic location: 11q24.3.
Variant type: single nucleotide variant.
Coding change: c.738G>C on transcript NM_000890.5 (MANE Select); coding-DNA position 738, G replaced by C.
Protein change: p.Glu246Asp; replaces glutamic acid 246 with aspartic acid.
Molecular consequence: missense variant.
Genome position (GRCh38, 1-based): chr11:128,912,011, G>C. VCF-style: chr11-128912011-G-C. GRCh37 (hg19) VCF-style: chr11-128781906-G-C.
Other names: c.738G>C, p.Glu246Asp (NM_001354169.2); short protein forms E246D.
Identifiers: ClinVar variation 4705368 (VCV004705368.2).

ClinVar aggregate classification (germline): Conflicting classifications of pathogenicity. Review status: criteria provided, conflicting classifications (1 of 4 stars). 2 submissions from 2 submitters: Uncertain significance (1); Likely benign (1). Last evaluated 2026-02-24.

Conditions:
Long QT syndrome (LQTS). Identifiers: MedGen C0023976, MeSH D008133, MONDO:0002442. Disease mechanism: loss of function. Inheritance: Various modes of inheritance.
Cardiovascular phenotype. Identifiers: MedGen CN230736.

gnomAD v4.1: 12 of 1,610,708 alleles (0.00075%); highest among the groups gnomAD compares: East Asian, 0.0022%; no homozygotes.

Submissions (2):

Ambry Genetics
Classification: Likely benign for Cardiovascular phenotype. Last evaluated: 2026-02-24. Review status: criteria provided, single submitter. Criteria: Ambry Variant Classification Scheme 2023. Collection method: clinical testing. Allele origin: germline.

Labcorp Genetics (formerly Invitae), Labcorp
Classification: Uncertain significance for Long QT syndrome. Last evaluated: 2025-04-29. Review status: criteria provided, single submitter. Criteria: Invitae Variant Classification Sherloc (09022015). Collection method: clinical testing. Allele origin: germline.
Comment: This sequence change replaces glutamic acid, which is acidic and polar, with aspartic acid, which is acidic and polar, at codon 246 of the KCNJ5 protein (p.Glu246Asp). This variant is present in population databases (no rsID available, gnomAD 0.01%). This variant has not been reported in the literature in individuals affected with KCNJ5-related conditions. Invitae Evidence Modeling of protein sequence and biophysical properties (such as structural, functional, and spatial information, amino acid conservation, physicochemical variation, residue mobility, and thermodynamic stability) indicates that this missense variant is not expected to disrupt KCNJ5 protein function with a negative predictive value of 80%. In summary, the available evidence is currently insufficient to determine the role of this variant in disease. Therefore, it has been classified as a Variant of Uncertain Significance.